The following is an entry in ClinVar:

NM_000492.4(CFTR):c.1979C>G (p.Ser660Ter)

Gene: CFTR (CF transmembrane conductance regulator; plus strand). Cytogenetic location: 7q31.2.
Variant type: single nucleotide variant.
Coding change: c.1979C>G on transcript NM_000492.4 (MANE Select); coding-DNA position 1979, C replaced by G.
Protein change: p.Ser660Ter; replaces serine 660 with a stop codon.
Molecular consequence: nonsense.
Genome position (GRCh38, 1-based): chr7:117,592,146, C>G. VCF-style: chr7-117592146-C-G. GRCh37 (hg19) VCF-style: chr7-117232200-C-G.
Other names: short protein forms S660*.
Identifiers: ClinVar variation 632749 (VCV000632749.3), dbSNP rs1562907896, ClinGen allele CA368979116.

ClinVar aggregate classification (germline): Pathogenic/Likely pathogenic. Review status: criteria provided, multiple submitters, no conflicts (2 of 4 stars). 2 submissions from 2 submitters: Pathogenic (1); Likely pathogenic (1). Last evaluated 2022-09-05.

Conditions:
Cystic fibrosis (CF). Also called: MUCOVISCIDOSIS. Identifiers: Orphanet 586, MedGen C0010674, MONDO:0009061, OMIM 219700. Disease mechanism: loss of function.

Submissions (2):

Institute of Human Genetics, University of Leipzig Medical Center
Classification: Pathogenic for Cystic fibrosis. Last evaluated: 2022-09-05. Review status: criteria provided, single submitter. Criteria: ACMG Guidelines, 2015. Collection method: curation. Allele origin: unknown. Affected: yes. Observed: 1 variant allele.
Comment: The variant was classified in the context of a project re-classifying variants in the German Cystic Fibrosis Registry (Muko.e.V.). Criteria applied: PVS1, PS1, PM2_SUP, PP4

Women's Health and Genetics/Laboratory Corporation of America, LabCorp
Classification: Likely pathogenic for Cystic fibrosis. Last evaluated: 2019-09-18. Review status: criteria provided, single submitter. Criteria: LabCorp Variant Classification Summary - May 2015. Collection method: clinical testing. Allele origin: germline.
Comment: Variant summary: CFTR c.1979C>G (p.Ser660X) results in a premature termination codon, predicted to cause a truncation of the encoded protein or absence of the protein due to nonsense mediated decay, which are commonly known mechanisms for disease. Truncations downstream of this position have been classified as pathogenic by our laboratory. The variant was absent in 250630 control chromosomes (gnomAD). To our knowledge, no occurrence of c.1979C>G in individuals affected with Cystic Fibrosis and no experimental evidence demonstrating an impact on protein function have been reported. No other clinical diagnostic laboratories have submitted clinical-significance assessments for this variant to ClinVar after 2014. Based on the evidence outlined above, the variant was classified as likely pathogenic.